The following is an entry in ClinVar:

NM_000090.4(COL3A1):c.2018del (p.Gly673fs)

Gene: COL3A1 (collagen type III alpha 1 chain; plus strand). Cytogenetic location: 2q32.2.
Variant type: Deletion.
Coding change: c.2018del on transcript NM_000090.4 (MANE Select); coding-DNA position 2018, one base deleted (G; older notation c.2018delG).
Protein change: p.Gly673fs; shifts the reading frame from glycine 673.
Molecular consequence: frameshift variant.
Genome position (GRCh38, 1-based): chr2:188,998,714, G deleted; the last of 2 consecutive G bases (chr2:188,998,713-188,998,714); deleting either gives the same sequence. VCF-style (leftmost placement, unchanged base first): chr2-188998712-AG-A. GRCh37 (hg19) VCF-style: chr2-189863438-AG-A.
Other names: short protein forms G673fs.
Identifiers: ClinVar variation 3727191 (VCV003727191.2).
Genomic context (GRCh38, chr2:188,998,712, plus strand): 5'-TCATATAATGCCAATCTCCCAGGGTCCAAAGGGTGATGCCGGTGCACCTGGAGCTCCAGG[AG>A]GCAAGGTAGTATTTCAATTTATTCTCTACCTTCTTCAGCAGGTTATAGAGCAATTGATTA-3'

ClinVar aggregate classification (germline): Pathogenic (1 of 4 stars; one submission).

Conditions:
Ehlers-Danlos syndrome, type 4 (EDSVASC). Also called: Ehlers-Danlos syndrome vascular type; Ehlers Danlos syndrome, ecchymotic type; Ehlers Danlos syndrome, arterial type; Ehlers Danlos syndrome, Sack-Barabas type; Ehlers-Danlos Syndrome Type IV. Identifiers: Orphanet 286, MedGen C0268338, MONDO:0017314, OMIM 130050.

Submission:

Labcorp Genetics (formerly Invitae), Labcorp
Classification: Pathogenic for Ehlers-Danlos syndrome, type 4. Last evaluated: 2024-12-13. Review status: criteria provided, single submitter. Criteria: Invitae Variant Classification Sherloc (09022015). Collection method: clinical testing. Allele origin: germline.
Comment: This sequence change creates a premature translational stop signal (p.Gly673Alafs*118) in the COL3A1 gene. It is expected to result in an absent or disrupted protein product. Loss-of-function variants in COL3A1 are known to be pathogenic (PMID: 24922459). This variant is not present in population databases (gnomAD no frequency). This variant has not been reported in the literature in individuals affected with COL3A1-related conditions. For these reasons, this variant has been classified as Pathogenic.

Literature cited by the submitters: PubMed 24922459.